The following is an entry in ClinVar:

ClinVar aggregate classification (germline): Likely pathogenic (1 of 4 stars; one submission).

Conditions:
Autosomal recessive limb-girdle muscular dystrophy type 2G (LGMDR7). Also called: MUSCULAR DYSTROPHY, LIMB-GIRDLE, AUTOSOMAL RECESSIVE 7; Limb-girdle muscular dystrophy, type 2G; Telethoninopathy. Identifiers: Orphanet 34514, MedGen C1866008, MONDO:0011170, OMIM 601954.

Submission:

3billion
Classification: Likely pathogenic for Autosomal recessive limb-girdle muscular dystrophy type 2G. Last evaluated: 2022-05-22. Review status: criteria provided, single submitter. Criteria: ACMG Guidelines, 2015. Collection method: clinical testing. Allele origin: germline. Affected: yes. Observed: 1 homozygote.
Comment: The variant is not observed in the gnomAD v2.1.1 dataset. Canonical splice site: predicted to alter splicing and result in a loss or disruption of normal protein function. The predicted truncated protein may be shortened by more than 10%. Therefore, this variant is classified as likely pathogenic according to the recommendation of ACMG/AMP guideline.

NM_003673.4(TCAP):c.110+1G>A

Gene: TCAP (titin-cap; plus strand). Cytogenetic location: 17q12.
Variant type: single nucleotide variant.
Coding change: c.110+1G>A on transcript NM_003673.4 (MANE Select); the canonical splice donor site of the intron after coding-DNA position 110, G replaced by A.
Molecular consequence: splice donor variant.
Genome position (GRCh38, 1-based): chr17:39,665,470, G>A. VCF-style: chr17-39665470-G-A. GRCh37 (hg19) VCF-style: chr17-37821723-G-A.
Identifiers: ClinVar variation 1687576 (VCV001687576.1), dbSNP rs113187448, ClinGen allele CA399303255.